The following is an entry in ClinVar:

NM_032520.5(GNPTG):c.650G>A (p.Gly217Asp)

Gene: GNPTG (N-acetylglucosamine-1-phosphate transferase subunit gamma; plus strand). Cytogenetic location: 16p13.3.
Variant type: single nucleotide variant.
Coding change: c.650G>A on transcript NM_032520.5 (MANE Select); coding-DNA position 650, G replaced by A.
Protein change: p.Gly217Asp; replaces glycine 217 with aspartic acid.
Molecular consequence: missense variant.
Genome position (GRCh38, 1-based): chr16:1,362,651, G>A. VCF-style: chr16-1362651-G-A. GRCh37 (hg19) VCF-style: chr16-1412652-G-A.
Other names: short protein forms G217D.
Identifiers: ClinVar variation 1382702 (VCV001382702.5), dbSNP rs1438050231, ClinGen allele CA394188458.
Genomic context (GRCh38, chr16:1,362,651, plus strand): 5'-CCTGCATCCTCCACCTTCAGGGCCATGAGAAGTTGCTGAGGACACTTTTTGAGGATGCTG[G>A]CTACTTAAAGACCCCAGAAGAAAATGAACCCACCCAGCTGGAGGGAGGTCCTGACAGCTT-3'
Protein context (NP_115909.1, residues 207-227): KLLRTLFEDA[Gly217Asp]YLKTPEENEP

ClinVar aggregate classification (germline): Uncertain significance (1 of 4 stars; one submission).

Allele frequency attached by ClinVar (database versions not stated): gnomAD 0.00001; TOPMed 0.00002.

Submission:

Labcorp Genetics (formerly Invitae), Labcorp
Classification: Uncertain significance. Last evaluated: 2021-09-24. Review status: criteria provided, single submitter. Criteria: Invitae Variant Classification Sherloc (09022015). Collection method: clinical testing. Allele origin: germline.
Comment: This sequence change replaces glycine with aspartic acid at codon 217 of the GNPTG protein (p.Gly217Asp). The glycine residue is highly conserved and there is a moderate physicochemical difference between glycine and aspartic acid. This variant is not present in population databases (ExAC no frequency). This variant has not been reported in the literature in individuals with GNPTG-related conditions. Algorithms developed to predict the effect of missense changes on protein structure and function are either unavailable or do not agree on the potential impact of this missense change (SIFT: "Tolerated"; PolyPhen-2: "Probably Damaging"; Align-GVGD: "Class C0"). In summary, the available evidence is currently insufficient to determine the role of this variant in disease. Therefore, it has been classified as a Variant of Uncertain Significance.